The following is an entry in ClinVar:

NM_000135.4(FANCA):c.3725_3727del (p.Ile1242del)

Gene: FANCA (FA complementation group A; minus strand). Cytogenetic location: 16q24.3.
Variant type: Deletion.
Coding change: c.3725_3727del on transcript NM_000135.4 (MANE Select); coding-DNA positions 3725 to 3727, 3 bases deleted (TCA; older notation c.3725_3727delTCA).
Protein change: p.Ile1242del; deletes isoleucine 1242.
Molecular consequence: inframe deletion.
Genome position (GRCh38, 1-based): chr16:89,742,838-89,742,840, TGA deleted on the plus strand (TCA on the coding strand, the reverse complement: FANCA is on the minus strand); deleting any 3 consecutive bases within chr16:89,742,838-89,742,842 gives the same sequence; the c. name uses the placement nearest the transcript's 3' end. VCF-style (leftmost placement, unchanged base first): chr16-89742837-CTGA-C. GRCh37 (hg19) VCF-style: chr16-89809245-CTGA-C.
Other names: c.3725_3727del (LRG_495t1); c.3725_3727del, p.Ile1242del (NM_001286167.3); short protein forms I1242del.
Identifiers: ClinVar variation 556856 (VCV000556856.10), dbSNP rs1441710252, ClinGen allele CA658824234.

ClinVar aggregate classification (germline): Uncertain significance. Review status: criteria provided, multiple submitters, no conflicts (2 of 4 stars). 3 submissions from 3 submitters: Uncertain significance (2). 1 of the submissions does not count toward it. Last evaluated 2024-10-21.

Conditions:
Fanconi anemia (FA). Also called: Fanconi's anemia. Identifiers: Orphanet 84, MedGen C0015625, MeSH D005199, MONDO:0019391.
Fanconi anemia complementation group A (FANCA). Also called: Fanconi anemia, group A; FANCA-Related Fanconi Anemia. Identifiers: Orphanet 84, MedGen C3469521, MONDO:0009215, OMIM 227650.

Submissions (3):

Labcorp Genetics (formerly Invitae), Labcorp
Classification: Uncertain significance for Fanconi anemia. Last evaluated: 2024-10-21. Review status: criteria provided, single submitter. Criteria: Invitae Variant Classification Sherloc (09022015). Collection method: clinical testing. Allele origin: germline.
Comment: This variant, c.3725_3727del, results in the deletion of 1 amino acid(s) of the FANCA protein (p.Ile1242del), but otherwise preserves the integrity of the reading frame. This variant is not present in population databases (gnomAD no frequency). This variant has not been reported in the literature in individuals affected with FANCA-related conditions. ClinVar contains an entry for this variant (Variation ID: 556856). Experimental studies and prediction algorithms are not available or were not evaluated, and the functional significance of this variant is currently unknown. In summary, the available evidence is currently insufficient to determine the role of this variant in disease. Therefore, it has been classified as a Variant of Uncertain Significance.

Blueprint Genetics
Classification: Uncertain significance. Last evaluated: 2022-12-28. Review status: criteria provided, single submitter. Criteria: ACMG Guidelines, 2015. Collection method: clinical testing. Allele origin: germline.

Counsyl
Classification: Uncertain significance for Fanconi anemia complementation group A. Last evaluated: 2018-02-22. Review status: no assertion criteria provided. Collection method: clinical testing. Allele origin: unknown. Not counted in ClinVar's aggregate classification.